The following is an entry in ClinVar:

NM_001040151.2(SCN3B):c.82G>T (p.Glu28Ter)

Gene: SCN3B (sodium voltage-gated channel beta subunit 3; minus strand). Cytogenetic location: 11q24.1.
Variant type: single nucleotide variant.
Coding change: c.82G>T on transcript NM_001040151.2 (MANE Select); coding-DNA position 82, G replaced by T.
Protein change: p.Glu28Ter; replaces glutamic acid 28 with a stop codon.
Molecular consequence: nonsense.
Genome position (GRCh38, 1-based): chr11:123,645,724, C>A on the plus strand (G>T on the coding strand, the complement: SCN3B is on the minus strand). VCF-style: chr11-123645724-C-A. GRCh37 (hg19) VCF-style: chr11-123516432-C-A.
Other names: c.82G>T, p.Glu28Ter (NM_018400.4); short protein forms E28*.
Identifiers: ClinVar variation 3793200 (VCV003793200.1).

ClinVar aggregate classification (germline): Uncertain significance (1 of 4 stars; one submission).

Conditions:
Cardiovascular phenotype. Identifiers: MedGen CN230736.

Submission:

Ambry Genetics
Classification: Uncertain significance for Cardiovascular phenotype. Last evaluated: 2024-12-13. Review status: criteria provided, single submitter. Criteria: Ambry Variant Classification Scheme 2023. Collection method: clinical testing. Allele origin: germline.
Comment: The p.E28* variant (also known as c.82G>T), located in coding exon 2 of the SCN3B gene, results from a G to T substitution at nucleotide position 82. This changes the amino acid from a glutamic acid to a stop codon within coding exon 2. This alteration is expected to result in loss of function by premature protein truncation or nonsense-mediated mRNA decay. However, loss of function of SCN3B has not been clearly established as a mechanism of disease. The evidence for this gene-disease relationship is limited; therefore, the clinical significance of this alteration is unclear.